The following is an entry in ClinVar:

NM_006231.4(POLE):c.802-4A>C

Gene: POLE (DNA polymerase epsilon, catalytic subunit; minus strand). Cytogenetic location: 12q24.33.
Variant type: single nucleotide variant.
Coding change: c.802-4A>C on transcript NM_006231.4 (MANE Select); 4 bases into the intron before coding-DNA position 802, A replaced by C.
Molecular consequence: intron variant.
Genome position (GRCh38, 1-based): chr12:132,676,657, T>G on the plus strand (A>C on the coding strand, the complement: POLE is on the minus strand). VCF-style: chr12-132676657-T-G. GRCh37 (hg19) VCF-style: chr12-133253243-T-G.
Identifiers: ClinVar variation 2725556 (VCV002725556.4), dbSNP rs2542172706, ClinGen allele CA2575359655.

ClinVar aggregate classification (germline): Likely benign. Review status: criteria provided, multiple submitters, no conflicts (2 of 4 stars). 2 submissions from 2 submitters: Likely benign (2). Last evaluated 2025-10-05.

Conditions:
Colorectal cancer, susceptibility to, 12 (CRCS12). Also called: COLORECTAL CANCER, SUSCEPTIBILITY TO, ON CHROMOSOME 12q24. Identifiers: Orphanet 220460, MedGen C3554460, MONDO:0014038, OMIM 615083.

Submissions (2):

Labcorp Genetics (formerly Invitae), Labcorp
Classification: Likely benign. Last evaluated: 2025-10-05. Review status: criteria provided, single submitter. Criteria: Invitae Variant Classification Sherloc (09022015). Collection method: clinical testing. Allele origin: germline.

Myriad Genetics, Inc.
Classification: Likely benign for Colorectal cancer, susceptibility to, 12. Last evaluated: 2025-02-07. Review status: criteria provided, single submitter. Criteria: Myriad Autosomal Dominant, Autosomal Recessive and X-Linked Classification Criteria (2023). Collection method: clinical testing. Allele origin: unknown.
Comment: This variant is considered likely benign. This variant is intronic and is not expected to impact mRNA splicing.